The following is an entry in ClinVar:

NM_001360.3(DHCR7):c.928G>C (p.Asp310His)

Gene: DHCR7 (7-dehydrocholesterol reductase; minus strand). Cytogenetic location: 11q13.4.
Variant type: single nucleotide variant.
Coding change: c.928G>C on transcript NM_001360.3 (MANE Select); coding-DNA position 928, G replaced by C.
Protein change: p.Asp310His; replaces aspartic acid 310 with histidine.
Molecular consequence: missense variant.
Genome position (GRCh38, 1-based): chr11:71,437,847, C>G on the plus strand (G>C on the coding strand, the complement: DHCR7 is on the minus strand). VCF-style: chr11-71437847-C-G. GRCh37 (hg19) VCF-style: chr11-71148893-C-G.
Other names: c.928G>C, p.Asp310His (NM_001163817.2); short protein forms D310H.
Identifiers: ClinVar variation 587939 (VCV000587939.5), dbSNP rs370955781, ClinGen allele CA381702952.

ClinVar aggregate classification (germline): Uncertain significance (1 of 4 stars; one submission).

Conditions:
Inborn genetic diseases. Identifiers: MedGen C0950123, MeSH D030342.

Submission:

Ambry Genetics
Classification: Uncertain significance for Inborn genetic diseases. Last evaluated: 2016-06-09. Review status: criteria provided, single submitter. Criteria: Ambry Variant Classification Scheme 2023. Collection method: clinical testing. Allele origin: germline.
Comment: The p.D310H variant (also known as c.928G>C), located in coding exon 6 of the DHCR7 gene, results from a G to C substitution at nucleotide position 928. The aspartic acid at codon 310 is replaced by histidine, an amino acid with similar properties. This variant was not reported in population based cohorts in the following databases: Database of Single Nucleotide Polymorphisms (dbSNP), NHLBI Exome Sequencing Project (ESP), and 1000 Genomes Project. In the ESP, this variant was not observed in 6494 samples (12988 alleles) with coverage at this position. This amino acid position is highly conserved in available vertebrate species. This splice prediction software does not produce a reliable prediction for the nearby native splice donor site. This splice prediction software does not produce a reliable prediction for the nearby native splice donor site. In addition, this alteration is predicted to be deleterious by in silico analysis. Based on available evidence to date, the clinical significance of this variant remains unclear.